The following is an entry in ClinVar:

NM_000918.4(P4HB):c.1441G>C (p.Asp481His)

Gene: P4HB (prolyl 4-hydroxylase subunit beta; minus strand). Cytogenetic location: 17q25.3.
Variant type: single nucleotide variant.
Coding change: c.1441G>C on transcript NM_000918.4 (MANE Select); coding-DNA position 1441, G replaced by C.
Protein change: p.Asp481His; replaces aspartic acid 481 with histidine.
Molecular consequence: missense variant.
Genome position (GRCh38, 1-based): chr17:81,845,149, C>G on the plus strand (G>C on the coding strand, the complement: P4HB is on the minus strand). VCF-style: chr17-81845149-C-G. GRCh37 (hg19) VCF-style: chr17-79803025-C-G.
Other names: short protein forms D481H.
Identifiers: ClinVar variation 4743085 (VCV004743085.1).
Genomic context (GRCh38, chr17:81,845,149, plus strand): 5'-GTGGGGCCAAGGGGCTGAATCCCAGAGACCAGCCCAGGGCTGTGACCCCACTCACGTCAT[C>G]ATCCCCTGCCCCATCCTGGCCACCGCTCTCCAGGAATTTCTTAAAACCATCCAGCGTGCG-3'
Protein context (NP_000909.2, residues 471-491): ESGGQDGAGD[Asp481His]DDLEDLEEAE

ClinVar aggregate classification (germline): Uncertain significance (1 of 4 stars; one submission).

Submission:

Labcorp Genetics (formerly Invitae), Labcorp
Classification: Uncertain significance. Last evaluated: 2025-11-24. Review status: criteria provided, single submitter. Criteria: Invitae Variant Classification Sherloc (09022015). Collection method: clinical testing. Allele origin: germline.
Comment: This sequence change replaces aspartic acid, which is acidic and polar, with histidine, which is basic and polar, at codon 481 of the P4HB protein (p.Asp481His). This variant is not present in population databases (gnomAD no frequency). This variant has not been reported in the literature in individuals affected with P4HB-related conditions. Invitae Evidence Modeling of protein sequence and biophysical properties (such as structural, functional, and spatial information, amino acid conservation, physicochemical variation, residue mobility, and thermodynamic stability) indicates that this missense variant is not expected to disrupt P4HB protein function with a negative predictive value of 80%. In summary, the available evidence is currently insufficient to determine the role of this variant in disease. Therefore, it has been classified as a Variant of Uncertain Significance.